The following is an entry in ClinVar:

ClinVar aggregate classification (germline): Pathogenic (1 of 4 stars; one submission).

Submission:

Labcorp Genetics (formerly Invitae), Labcorp
Classification: Pathogenic. Last evaluated: 2023-12-19. Review status: criteria provided, single submitter. Criteria: Invitae Variant Classification Sherloc (09022015). Collection method: clinical testing. Allele origin: germline.
Comment: This sequence change creates a premature translational stop signal (p.Cys138Valfs*4) in the GNPAT gene. It is expected to result in an absent or disrupted protein product. Loss-of-function variants in GNPAT are known to be pathogenic (PMID: 9536089, 21990100). This variant is not present in population databases (gnomAD no frequency). This variant has not been reported in the literature in individuals affected with GNPAT-related conditions. For these reasons, this variant has been classified as Pathogenic.

Literature cited by the submitters: PubMed 9536089; PubMed 21990100.

NM_014236.4(GNPAT):c.410dup (p.Cys138fs)

Gene: GNPAT (glyceronephosphate O-acyltransferase; plus strand). Cytogenetic location: 1q42.2.
Variant type: Duplication.
Coding change: c.410dup on transcript NM_014236.4 (MANE Select); coding-DNA position 410, one base duplicated (T; older notation c.410dupT).
Protein change: p.Cys138fs; shifts the reading frame from cysteine 138.
Molecular consequence: frameshift variant.
Genome position (GRCh38, 1-based): chr1:231,260,655, T duplicated. VCF-style (leftmost placement, unchanged base first): chr1-231260654-G-GT. GRCh37 (hg19) VCF-style: chr1-231396400-G-GT.
Other names: c.227dup, p.Cys77fs (NM_001316350.2); short protein forms C138fs, C77fs.
Identifiers: ClinVar variation 2704212 (VCV002704212.3), dbSNP rs2527013203, ClinGen allele CA2697554964.